The following is an entry in ClinVar:

NM_001077365.2(POMT1):c.1900del (p.Phe633_Leu634insTer)

Gene: POMT1 (protein O-mannosyltransferase 1; plus strand). Cytogenetic location: 9q34.13.
Variant type: Deletion.
Coding change: c.1900del on transcript NM_001077365.2 (MANE Select); coding-DNA position 1900, one base deleted (C; older notation c.1900delC).
Protein change: p.Phe633_Leu634insTer.
Molecular consequence: nonsense. On other transcripts: non-coding transcript variant (10).
Genome position (GRCh38, 1-based): chr9:131,522,121, C deleted; the last of 2 consecutive C bases (chr9:131,522,120-131,522,121); deleting either gives the same sequence. VCF-style (leftmost placement, unchanged base first): chr9-131522119-TC-T. GRCh37 (hg19) VCF-style: chr9-134397506-TC-T.
Other names: c.1549del, p.Phe516_Leu517insTer (NM_001136114.2, NM_001353195.2, NM_001374691.1 and 2 more transcripts); c.1966del, p.Phe655_Leu656insTer (NM_001353193.2, NM_007171.4); c.1738del, p.Phe579_Leu580insTer (NM_001353194.2, NM_001077366.2); c.1810del, p.Phe603_Leu604insTer (NM_001353196.2); c.1804del, p.Phe601_Leu602insTer (NM_001353197.2, NM_001353198.2); c.1615del, p.Phe538_Leu539insTer (NM_001353199.2); c.1444del, p.Phe481_Leu482insTer (NM_001353200.2); c.1888del, p.Phe629_Leu630insTer (NM_001374689.1); and 5 more.
Identifiers: ClinVar variation 4845854 (VCV004845854.1).

ClinVar aggregate classification (germline): Likely pathogenic (1 of 4 stars; one submission).

Conditions:
Muscular dystrophy-dystroglycanopathy (congenital with impaired intellectual development), type B, 1. Also called: MUSCULAR DYSTROPHY, CONGENITAL, POMT1-RELATED; Muscular dystrophy-dystroglycanopathy (congenital with intellectual disability), type B1. Identifiers: MedGen C5436962, MONDO:0013159, OMIM 613155.
Autosomal recessive limb-girdle muscular dystrophy type 2K. Also called: MUSCULAR DYSTROPHY-DYSTROGLYCANOPATHY (LIMB-GIRDLE), TYPE C, 1; MUSCULAR DYSTROPHY, LIMB-GIRDLE, TYPE 2K. Identifiers: Orphanet 86812, MedGen C1836373, MONDO:0012248, OMIM 609308.
Muscular dystrophy-dystroglycanopathy (congenital with brain and eye anomalies), type A1 (MDDGA1). Also called: COD-MD SYNDROME; Hydrocephalus, agyria and retinal dysplasia; Hard +/- E syndrome; Warburg syndrome; Chemke syndrome; Pagon syndrome. Identifiers: Orphanet 588, Orphanet 899, MedGen C4284790, MONDO:0009364, OMIM 236670.

Submission:

First Genomix Gene Laboratory, Genetic Diagnostics Department
Classification: Likely pathogenic for Muscular dystrophy-dystroglycanopathy (congenital with brain and eye anomalies), type A1; Muscular dystrophy-dystroglycanopathy (congenital with impaired intellectual development), type B, 1; Autosomal recessive limb-girdle muscular dystrophy type 2K. Last evaluated: 2025-03-28. Review status: criteria provided, single submitter. Criteria: ACMG Guidelines, 2015. Collection method: clinical testing. Allele origin: germline. Inheritance: Autosomal recessive inheritance. Affected: no. Observed: 1 variant allele.